The following is an entry in ClinVar:

NM_001204.7(BMPR2):c.*4584T>A

Gene: BMPR2 (bone morphogenetic protein receptor type 2; plus strand). Cytogenetic location: 2q33.2.
Variant type: single nucleotide variant.
Coding change: c.*4584T>A on transcript NM_001204.7 (MANE Select); 4584 bases downstream of the stop codon, T replaced by A.
Molecular consequence: 3 prime UTR variant.
Genome position (GRCh38, 1-based): chr2:202,564,530, T>A. VCF-style: chr2-202564530-T-A. GRCh37 (hg19) VCF-style: chr2-203429253-T-A.
Other names: c.*4584T>A (LRG_712t1).
Identifiers: ClinVar variation 333698 (VCV000333698.5), dbSNP rs542632689, ClinGen allele CA10613624.
Genomic context (GRCh38, chr2:202,564,530, plus strand): 5'-GCAATGTTTCTAAATGTACTGTTACTGGCAGTTTACTCTCCAGCATATAAGGTTGCATTT[T>A]AACTTTTAGATTATGAACTGTGCAAACTTTACCCAAAACTATCTTGCATGATTCCCTCCT-3'

ClinVar aggregate classification (germline): Benign (1 of 4 stars; one submission).

Conditions:
Pulmonary hypertension, primary, 1 (PPH1). Also called: Pulmonary hypertension, familial primary, 1, with or without HHT. Identifiers: Orphanet 422, MedGen C4552070, MONDO:0024533, OMIM 178600.

Allele frequency attached by ClinVar (database versions not stated): TOPMed 0.00024; 1000 Genomes Project 30x 0.00094; gnomAD 0.00020 and 0.00023; 1000 Genomes Project 0.00100.
gnomAD v4.1: 36 of 152,376 alleles (0.024%); highest among the groups gnomAD compares: East Asian, 0.67%; no homozygotes.

Submission:

Illumina Laboratory Services, Illumina
Classification: Benign for Pulmonary hypertension, primary, 1. Last evaluated: 2018-01-12. Review status: criteria provided, single submitter. Criteria: ICSL Variant Classification Criteria 13 December 2019. Collection method: clinical testing. Allele origin: germline.
Comment: This variant was observed in the ICSL laboratory as part of a predisposition screen in an ostensibly healthy population. It had not been previously curated by ICSL or reported in the Human Gene Mutation Database (HGMD: prior to June 1st, 2018), and was therefore a candidate for classification through an automated scoring system. Utilizing variant allele frequency, disease prevalence and penetrance estimates, and inheritance mode, an automated score was calculated to assess if this variant is too frequent to cause the disease. Based on the score and internal cut-off values, a variant classified as benign is not then subjected to further curation. The score for this variant resulted in a classification of benign for this disease.